The following is an entry in ClinVar:

ClinVar aggregate classification (germline): Likely benign (1 of 4 stars; one submission).

Submission:

GeneDx
Classification: Likely benign. Last evaluated: 2016-06-21. Review status: criteria provided, single submitter. Criteria: GeneDx Variant Classification (06012015). Collection method: clinical testing. Allele origin: germline. Affected: yes.
Comment: This variant is considered likely benign or benign based on one or more of the following criteria: it is a conservative change, it occurs at a poorly conserved position in the protein, it is predicted to be benign by multiple in silico algorithms, and/or has population frequency not consistent with disease.

NM_001394962.1(KIAA1210):c.493-12_493-7del

Gene: KIAA1210 (KIAA1210; minus strand). Cytogenetic location: Xq24.
Variant type: Deletion.
Coding change: c.493-12_493-7del on transcript NM_001394962.1 (MANE Select); 12 bases into the intron before coding-DNA position 493 through 7 bases into the intron before coding-DNA position 493, 6 bases deleted (CCCTCT; older notation c.493-12_493-7delCCCTCT).
Molecular consequence: intron variant.
Genome position (GRCh38, 1-based): chrX:119,105,154-119,105,159, AGAGGG deleted on the plus strand (CCCTCT on the coding strand, the reverse complement: KIAA1210 is on the minus strand); deleting any 6 consecutive bases within chrX:119,105,154-119,105,162 gives the same sequence; the c. name uses the placement nearest the transcript's 3' end. VCF-style (leftmost placement, unchanged base first): chrX-119105153-AAGAGGG-A. GRCh37 (hg19) VCF-style: chrX-118239116-AAGAGGG-A.
Other names: c.913-12_913-7delCCCTCT (NM_020721.1); c.913-12_913-7del (NM_020721.1).
Identifiers: ClinVar variation 421494 (VCV000421494.1), dbSNP rs779562128, ClinGen allele CA10501449.